The following is an entry in ClinVar:

NM_001365276.2(TNXB):c.9420G>C (p.Val3140=)

Gene: TNXB (tenascin XB; minus strand). Cytogenetic location: 6p21.33.
Variant type: single nucleotide variant.
Coding change: c.9420G>C on transcript NM_001365276.2 (MANE Select); coding-DNA position 9420, G replaced by C.
Protein change: p.Val3140=; no amino-acid change (valine 3140 retained).
Molecular consequence: synonymous variant.
Genome position (GRCh38, 1-based): chr6:32,050,017, C>G on the plus strand (G>C on the coding strand, the complement: TNXB is on the minus strand). VCF-style: chr6-32050017-C-G. GRCh37 (hg19) VCF-style: chr6-32017794-C-G.
Other names: c.10161G>C, p.Val3387= (NM_001428335.1); c.9414G>C, p.Val3138= (NM_019105.8).
Identifiers: ClinVar variation 3354610 (VCV003354610.1).

ClinVar aggregate classification (germline): Likely benign (0 of 4 stars; one submission).

Conditions:
TNXB-related disorder. Also called: TNXB-related condition.

Submission:

PreventionGenetics, part of Exact Sciences
Classification: Likely benign for TNXB-related condition. Last evaluated: 2019-09-19. Review status: no assertion criteria provided. Collection method: clinical testing. Allele origin: germline.
Comment: This variant is classified as likely benign based on ACMG/AMP sequence variant interpretation guidelines (Richards et al. 2015 PMID: 25741868, with internal and published modifications).